The following is an entry in ClinVar:

NM_015404.4(WHRN):c.2240C>A (p.Ala747Asp)

Gene: WHRN (whirlin; minus strand). Cytogenetic location: 9q32.
Variant type: single nucleotide variant.
Coding change: c.2240C>A on transcript NM_015404.4 (MANE Select); coding-DNA position 2240, C replaced by A.
Protein change: p.Ala747Asp; replaces alanine 747 with aspartic acid.
Molecular consequence: missense variant.
Genome position (GRCh38, 1-based): chr9:114,404,074, G>T on the plus strand (C>A on the coding strand, the complement: WHRN is on the minus strand). VCF-style: chr9-114404074-G-T. GRCh37 (hg19) VCF-style: chr9-117166354-G-T.
Other names: c.1091C>A, p.Ala364Asp (NM_001083885.3); c.2237C>A, p.Thr746Asn (NM_001173425.2); c.1187C>A, p.Ala396Asp (NM_001346890.1); c.2240C>A (NM_015404.2); short protein forms A364D, A396D, A747D, T746N.
Identifiers: ClinVar variation 1057519 (VCV001057519.10), dbSNP rs755883346, ClinGen allele CA198649207.
Genomic context (GRCh38, chr9:114,404,074, plus strand): 5'-TCCACACCACTGTCCTCGCTTAGAGTCTGCCCGCTGTCCGAGAGCTGGGAGAGCGTAGAG[G>T]CTGCTGGAGAGGGGAAAAGGAAGAGAGAAGCAGCTTATATAGCTGGGGTCAGGGAGGGCT-3'
Protein context (NP_056219.3, residues 737-757): EVRALPQTRT[Ala747Asp]STLSQLSDSG

ClinVar aggregate classification (germline): Uncertain significance. Review status: criteria provided, multiple submitters, no conflicts (2 of 4 stars). 3 submissions from 3 submitters: Uncertain significance (3). Last evaluated 2025-07-10.

Allele frequency attached by ClinVar (database versions not stated): gnomAD 0.00002; TOPMed 0.00002.

Submissions (3):

Labcorp Genetics (formerly Invitae), Labcorp
Classification: Uncertain significance. Last evaluated: 2025-07-10. Review status: criteria provided, single submitter. Criteria: Invitae Variant Classification Sherloc (09022015). Collection method: clinical testing. Allele origin: germline.
Comment: This sequence change replaces alanine, which is neutral and non-polar, with aspartic acid, which is acidic and polar, at codon 747 of the WHRN protein (p.Ala747Asp). This variant is present in population databases (no rsID available, gnomAD 0.0008%). This variant has not been reported in the literature in individuals affected with WHRN-related conditions. ClinVar contains an entry for this variant (Variation ID: 1057519). An algorithm developed to predict the effect of missense changes on protein structure and function (PolyPhen-2) suggests that this variant is likely to be tolerated. Algorithms developed to predict the effect of sequence changes on RNA splicing suggest that this variant may create or strengthen a splice site. In summary, the available evidence is currently insufficient to determine the role of this variant in disease. Therefore, it has been classified as a Variant of Uncertain Significance.

GeneDx
Classification: Uncertain significance. Last evaluated: 2025-05-09. Review status: criteria provided, single submitter. Criteria: GeneDx Variant Classification Process June 2021. Collection method: clinical testing. Allele origin: germline. Affected: yes.
Comment: Not observed at significant frequency in large population cohorts (gnomAD); In silico analysis suggests that this missense variant does not alter protein structure/function; Has not been previously published as pathogenic or benign to our knowledge

Blueprint Genetics
Classification: Uncertain significance. Last evaluated: 2022-06-16. Review status: criteria provided, single submitter. Criteria: ACMG Guidelines, 2015. Collection method: clinical testing. Allele origin: germline.